The following is an entry in ClinVar:

NM_024580.6(EFL1):c.2132A>G (p.Lys711Arg)

Gene: EFL1 (elongation factor like GTPase 1; minus strand). Cytogenetic location: 15q25.2.
Variant type: single nucleotide variant.
Coding change: c.2132A>G on transcript NM_024580.6 (MANE Select); coding-DNA position 2132, A replaced by G.
Protein change: p.Lys711Arg; replaces lysine 711 with arginine.
Molecular consequence: missense variant. On other transcripts: non-coding transcript variant (1).
Genome position (GRCh38, 1-based): chr15:82,152,322, T>C on the plus strand (A>G on the coding strand, the complement: EFL1 is on the minus strand). VCF-style: chr15-82152322-T-C. GRCh37 (hg19) VCF-style: chr15-82444663-T-C.
Other names: p.Lys711Arg; c.1979A>G, p.Lys660Arg (NM_001040610.3); c.1343A>G, p.Lys448Arg (NM_001322844.2); c.2132A>G, p.Lys711Arg (NM_001322845.2); c.2132A>G (NM_024580.5); short protein forms K448R, K660R, K711R.
Identifiers: ClinVar variation 1167685 (VCV001167685.15), dbSNP rs2292071, ClinGen allele CA7697795.

ClinVar aggregate classification (germline): Benign/Likely benign. Review status: criteria provided, multiple submitters, no conflicts (2 of 4 stars). 6 submissions from 6 submitters: Benign (3); Likely benign (2). 1 of the submissions does not count toward it. Last evaluated 2026-02-04.

Conditions:
EFL1-related disorder. Also called: EFL1-related condition.

Allele frequency attached by ClinVar (database versions not stated): gnomAD exomes 0.06672 and 0.08590; ExAC 0.09009; ESP Exome Variant Server 0.13041; gnomAD 0.13604 and 0.13997; TOPMed 0.14582; 1000 Genomes Project 0.17332; 1000 Genomes Project 30x 0.17770.
gnomAD v4.1: 119,051 of 1,613,996 alleles (7.4%); highest among the groups gnomAD compares: African/African-American, 31%; 7,277 homozygotes.

Submissions (6):

Labcorp Genetics (formerly Invitae), Labcorp
Classification: Benign. Last evaluated: 2026-02-04. Review status: criteria provided, single submitter. Criteria: Invitae Variant Classification Sherloc (09022015). Collection method: clinical testing. Allele origin: germline.

Women's Health and Genetics/Laboratory Corporation of America, LabCorp
Classification: Likely benign. Last evaluated: 2026-01-21. Review status: criteria provided, single submitter. Criteria: LabCorp Variant Classification Summary - May 2015. Collection method: clinical testing. Allele origin: germline.

Blueprint Genetics
Classification: Likely benign. Last evaluated: 2024-11-27. Review status: criteria provided, single submitter. Criteria: ACMG Guidelines, 2015. Collection method: clinical testing. Allele origin: germline.

Mayo Clinic Laboratories, Mayo Clinic
Classification: Benign. Last evaluated: 2022-09-06. Review status: criteria provided, single submitter. Criteria: ACMG Guidelines, 2015. Collection method: clinical testing. Allele origin: germline. Observed: 136 variant alleles.

Breakthrough Genomics
Classification: Benign. Review status: criteria provided, single submitter. Criteria: ACMG Guidelines, 2015. Collection method: not provided. Allele origin: germline. Inheritance: Autosomal recessive inheritance. Affected: yes.

PreventionGenetics, part of Exact Sciences
Classification: Benign for EFL1-related condition. Last evaluated: 2019-05-01. Review status: no assertion criteria provided. Collection method: clinical testing. Allele origin: germline. Not counted in ClinVar's aggregate classification.
Comment: This variant is classified as benign based on ACMG/AMP sequence variant interpretation guidelines (Richards et al. 2015 PMID: 25741868, with internal and published modifications).